The following is an entry in ClinVar:

ClinVar aggregate classification (germline): Uncertain significance (1 of 4 stars; one submission).

Submission:

GeneDx
Classification: Uncertain significance. Last evaluated: 2023-07-18. Review status: criteria provided, single submitter. Criteria: GeneDx Variant Classification Process June 2021. Collection method: clinical testing. Allele origin: germline. Affected: yes.
Comment: Not observed at significant frequency in large population cohorts (gnomAD); In silico analysis supports that this missense variant does not alter protein structure/function; Has not been previously published as pathogenic or benign to our knowledge

NM_013275.6(ANKRD11):c.5978G>T (p.Arg1993Leu)

Gene: ANKRD11 (ankyrin repeat domain containing 11; minus strand). Cytogenetic location: 16q24.3.
Variant type: single nucleotide variant.
Coding change: c.5978G>T on transcript NM_013275.6 (MANE Select); coding-DNA position 5978, G replaced by T.
Protein change: p.Arg1993Leu; replaces arginine 1993 with leucine.
Molecular consequence: missense variant.
Genome position (GRCh38, 1-based): chr16:89,280,564, C>A on the plus strand (G>T on the coding strand, the complement: ANKRD11 is on the minus strand). VCF-style: chr16-89280564-C-A. GRCh37 (hg19) VCF-style: chr16-89346972-C-A.
Other names: c.5978G>T, p.Arg1993Leu (NM_001256182.2, NM_001256183.2); short protein forms R1993L.
Identifiers: ClinVar variation 3361166 (VCV003361166.1).